The following is an entry in ClinVar:

ClinVar aggregate classification (germline): Conflicting classifications of pathogenicity. Review status: criteria provided, conflicting classifications (1 of 4 stars). 7 submissions from 7 submitters: Uncertain significance (5); Likely benign (1). 1 of the submissions does not count toward it. Last evaluated 2025-12-01.

Conditions:
FANCA-related disorder. Also called: FANCA-related condition.
Fanconi anemia (FA). Also called: Fanconi's anemia. Identifiers: Orphanet 84, MedGen C0015625, MeSH D005199, MONDO:0019391.
Fanconi anemia complementation group A (FANCA). Also called: FANCA-Related Fanconi Anemia; Fanconi anemia, group A. Identifiers: Orphanet 84, MedGen C3469521, MONDO:0009215, OMIM 227650.

Allele frequency attached by ClinVar (database versions not stated): gnomAD exomes below 0.00001 and 0.00001; ExAC 0.00001; TOPMed 0.00006; gnomAD 0.00007; ESP Exome Variant Server 0.00008.

Submissions (7):

Labcorp Genetics (formerly Invitae), Labcorp
Classification: Likely benign for Fanconi anemia. Last evaluated: 2025-12-01. Review status: criteria provided, single submitter. Criteria: Invitae Variant Classification Sherloc (09022015). Collection method: clinical testing. Allele origin: germline.

PreventionGenetics, part of Exact Sciences
Classification: Uncertain significance for FANCA-related condition. Last evaluated: 2025-09-23. Review status: criteria provided, single submitter. Criteria: ACMG Guidelines, 2015. Collection method: clinical testing. Allele origin: germline.
Comment: The FANCA c.685G>A variant is predicted to result in the amino acid substitution p.Asp229Asn. To our knowledge, this variant has not been reported in the literature. This variant is reported in 0.032% of alleles in individuals of African descent in gnomAD and has conflicting interpretations regarding its pathogenicity in ClinVar, ranging from likely benign to uncertain. At this time, the clinical significance of this variant is uncertain due to the absence of conclusive functional and genetic evidence.

GeneDx
Classification: Uncertain significance. Last evaluated: 2025-02-05. Review status: criteria provided, single submitter. Criteria: GeneDx Variant Classification Process June 2021. Collection method: clinical testing. Allele origin: germline. Affected: yes.
Comment: In silico analysis supports that this missense variant has a deleterious effect on protein structure/function; Has not been previously published as pathogenic or benign to our knowledge

Fulgent Genetics
Classification: Uncertain significance for Fanconi anemia complementation group A. Last evaluated: 2024-05-13. Review status: criteria provided, single submitter. Criteria: ACMG Guidelines, 2015. Collection method: clinical testing. Allele origin: germline.

St. Jude Molecular Pathology, St. Jude Children's Research Hospital
Classification: Uncertain significance for Fanconi anemia complementation group A. Last evaluated: 2024-05-12. Review status: criteria provided, single submitter. Criteria: St. Jude Assertion Criteria 2020. Collection method: clinical testing. Allele origin: germline.
Comment: The FANCA c.685G>A (p.Asp229Asn) missense change has a maximum subpopulation frequency of 0.032% in gnomAD v2.1.1. The in silico tool REVEL predicts a benign effect on protein function, but to our knowledge this prediction has not been confirmed by functional studies. To our knowledge, this variant has not been reported in individuals with Fanconi anemia. In summary, the evidence currently available is insufficient to determine the clinical significance of this variant. It has therefore been classified as of uncertain significance.

Quest Diagnostics Nichols Institute San Juan Capistrano
Classification: Uncertain significance. Last evaluated: 2024-04-14. Review status: criteria provided, single submitter. Criteria: Quest Diagnostics criteria. Collection method: clinical testing. Allele origin: unknown.
Comment: The FANCA c.685G>A (p.Asp229Asn) variant has not been reported in individuals with FANCA-related conditions in the published literature. The frequency of this variant in the general population, 0.00032 (8/24942 chromosomes), is uninformative in assessment of its pathogenicity. Analysis of this variant using bioinformatics tools for the prediction of the effect of amino acid changes on protein structure and function yielded predictions that this variant is benign. Based on the available information, we are unable to determine the clinical significance of this variant.

Natera, Inc.
Classification: Uncertain significance for Fanconi anemia. Last evaluated: 2019-10-28. Review status: no assertion criteria provided. Collection method: clinical testing. Allele origin: germline. Not counted in ClinVar's aggregate classification.

NM_000135.4(FANCA):c.685G>A (p.Asp229Asn)

Gene: FANCA (FA complementation group A; minus strand). Cytogenetic location: 16q24.3.
Variant type: single nucleotide variant.
Coding change: c.685G>A on transcript NM_000135.4 (MANE Select); coding-DNA position 685, G replaced by A.
Protein change: p.Asp229Asn; replaces aspartic acid 229 with asparagine.
Molecular consequence: missense variant.
Genome position (GRCh38, 1-based): chr16:89,805,304, C>T on the plus strand (G>A on the coding strand, the complement: FANCA is on the minus strand). VCF-style: chr16-89805304-C-T. GRCh37 (hg19) VCF-style: chr16-89871712-C-T.
Other names: c.685G>A (LRG_495t1, NM_000135.3); c.685G>A, p.Asp229Asn (NM_001018112.3, NM_001286167.3); c.589G>A, p.Asp197Asn (NM_001351830.2); short protein forms D229N, D197N.
Identifiers: ClinVar variation 408208 (VCV000408208.20), dbSNP rs148419748, ClinGen allele CA8252858.